The following is an entry in ClinVar:

NM_001267550.2(TTN):c.75268_75274del (p.Phe25090fs)

Genes: TTN-AS1 (TTN antisense RNA 1; plus strand), TTN (titin; minus strand). Cytogenetic location: 2q31.2.
Variant type: Deletion.
Coding change: c.75268_75274del on transcript NM_001267550.2 (MANE Select); coding-DNA positions 75268 to 75274, 7 bases deleted (TTTAGTG; older notation c.75268_75274delTTTAGTG).
Protein change: p.Phe25090fs; shifts the reading frame from phenylalanine 25090.
Molecular consequence: frameshift variant.
Genome position (GRCh38, 1-based): chr2:178,570,858-178,570,864, CACTAAA deleted on the plus strand (TTTAGTG on the coding strand, the reverse complement: TTN is on the minus strand); deleting any 7 consecutive bases within chr2:178,570,858-178,570,868 gives the same sequence; the c. name uses the placement nearest the transcript's 3' end. VCF-style (leftmost placement, unchanged base first): chr2-178570857-TCACTAAA-T. GRCh37 (hg19) VCF-style: chr2-179435584-TCACTAAA-T.
Other names: c.70345_70351del, p.Phe23449fs (NM_001256850.1); c.48073_48079del, p.Phe16025fs (NM_003319.4); c.67564_67570del, p.Phe22522fs (NM_133378.4); c.48448_48454del, p.Phe16150fs (NM_133432.3); c.48649_48655del, p.Phe16217fs (NM_133437.4); short protein forms F16217fs, F22522fs, F25090fs, F16150fs, F23449fs, F16025fs.
Identifiers: ClinVar variation 1472278 (VCV001472278.6), dbSNP rs2154168865, ClinGen allele CA2573134115.
Genomic context (GRCh38, chr2:178,570,857, plus strand): 5'-CTTATTCGTGGTGGATCTACCTCATCTCTAGCTGTTATTGCTCCTGTGCTTTCTGAAGGC[TCACTAAA>T]CACTCCTGCGGCATTTCGGGCTATAACCCGGAACTCATATCTGTGATCTTCAACTAGGCC-3'

ClinVar aggregate classification (germline): Likely pathogenic (1 of 4 stars; one submission).

Conditions:
Dilated cardiomyopathy 1G (CMD1G). Identifiers: Orphanet 154, MedGen C1858763, MONDO:0011400, OMIM 604145.
Autosomal recessive limb-girdle muscular dystrophy type 2J (LGMDR10). Also called: MUSCULAR DYSTROPHY, LIMB-GIRDLE, AUTOSOMAL RECESSIVE 10; Limb-girdle muscular dystrophy, type 2J. Identifiers: Orphanet 140922, MedGen C1837342, MONDO:0012127, OMIM 608807.

Submission:

Labcorp Genetics (formerly Invitae), Labcorp
Classification: Likely pathogenic for Dilated cardiomyopathy 1G; Autosomal recessive limb-girdle muscular dystrophy type 2J. Last evaluated: 2022-07-26. Review status: criteria provided, single submitter. Criteria: Invitae Variant Classification Sherloc (09022015). Collection method: clinical testing. Allele origin: germline.
Comment: This sequence change creates a premature translational stop signal (p.Phe25090Serfs*9) in the TTN gene. While this is not anticipated to result in nonsense mediated decay, it is expected to create a truncated TTN protein. This variant is not present in population databases (gnomAD no frequency). This variant has not been reported in the literature in individuals affected with TTN-related conditions. ClinVar contains an entry for this variant (Variation ID: 1472278). This variant is located in the A band of TTN (PMID: 25589632). Truncating variants in this region are significantly overrepresented in patients affected with dilated cardiomyopathy (PMID: 25589632). Truncating variants in this region have also been reported in individuals affected with autosomal recessive centronuclear myopathy (PMID: 23975875). In summary, the currently available evidence indicates that the variant is pathogenic, but additional data are needed to prove that conclusively. Therefore, this variant has been classified as Likely Pathogenic.

Literature cited by the submitters: PubMed 25589632; PubMed 23975875.